The following is an entry in ClinVar:

ClinVar aggregate classification (germline): Benign. Review status: criteria provided, multiple submitters, no conflicts (2 of 4 stars). 8 submissions from 8 submitters: Benign (8). Last evaluated 2026-02-03.

Conditions:
Primary ciliary dyskinesia 23 (CILD23). Also called: CILIARY DYSKINESIA, PRIMARY, 23, WITH OR WITHOUT SITUS INVERSUS. Identifiers: Orphanet 244, MedGen C3809548, MONDO:0014193, OMIM 615451.
Primary ciliary dyskinesia. Also called: Ciliary dyskinesia. Identifiers: Orphanet 244, MedGen C0008780, MONDO:0016575, HP:0012265.

Allele frequency attached by ClinVar (database versions not stated): gnomAD 0.07261; ESP Exome Variant Server 0.07274; TOPMed 0.08239; gnomAD exomes 0.08562 and 0.06728; ExAC 0.08627; 1000 Genomes Project 30x 0.13148; 1000 Genomes Project 0.13478.
gnomAD v4.1: 110,857 of 1,613,718 alleles (6.9%); highest among the groups gnomAD compares: East Asian, 25%; 5,051 homozygotes.

Submissions (8):

Labcorp Genetics (formerly Invitae), Labcorp
Classification: Benign for Primary ciliary dyskinesia 23. Last evaluated: 2026-02-03. Review status: criteria provided, single submitter. Criteria: Invitae Variant Classification Sherloc (09022015). Collection method: clinical testing. Allele origin: germline.

Blueprint Genetics
Classification: Benign. Last evaluated: 2024-11-27. Review status: criteria provided, single submitter. Criteria: ACMG Guidelines, 2015. Collection method: clinical testing. Allele origin: germline.

Mayo Clinic Laboratories, Mayo Clinic
Classification: Benign. Last evaluated: 2022-04-26. Review status: criteria provided, single submitter. Criteria: ACMG Guidelines, 2015. Collection method: clinical testing. Allele origin: germline. Observed: 23 variant alleles.

Genome-Nilou Lab
Classification: Benign for Primary ciliary dyskinesia 23. Last evaluated: 2021-07-14. Review status: criteria provided, single submitter. Criteria: ACMG Guidelines, 2015. Collection method: clinical testing. Allele origin: germline. Affected: no.

GeneDx
Classification: Benign. Last evaluated: 2018-11-27. Review status: criteria provided, single submitter. Criteria: GeneDx Variant Classification Process June 2021. Collection method: clinical testing. Allele origin: germline. Affected: yes.

Ambry Genetics
Classification: Benign for Primary ciliary dyskinesia. Last evaluated: 2016-07-09. Review status: criteria provided, single submitter. Criteria: Ambry Variant Classification Scheme 2023. Collection method: clinical testing. Allele origin: germline.

Laboratory for Molecular Medicine, Mass General Brigham Personalized Medicine
Classification: Benign. Last evaluated: 2016-03-29. Review status: criteria provided, single submitter. Criteria: LMM Criteria. Collection method: clinical testing. Allele origin: germline.
Comment: Variant identified in a genome or exome case(s) and assessed due to predicted null impact of the variant or pathogenic assertions in the literature or databases. Disclaimer: This variant has not undergone full assessment. The following are preliminary notes: Frequency

Breakthrough Genomics
Classification: Benign. Review status: criteria provided, single submitter. Criteria: ACMG Guidelines, 2015. Collection method: not provided. Allele origin: germline. Inheritance: Autosomal recessive inheritance. Affected: yes.

NM_018076.5(ODAD2):c.1028T>C (p.Ile343Thr)

Gene: ODAD2 (outer dynein arm docking complex subunit 2; minus strand). Cytogenetic location: 10p12.1.
Variant type: single nucleotide variant.
Coding change: c.1028T>C on transcript NM_018076.5 (MANE Select); coding-DNA position 1028, T replaced by C.
Protein change: p.Ile343Thr; replaces isoleucine 343 with threonine.
Molecular consequence: missense variant. On other transcripts: intron variant (1).
Genome position (GRCh38, 1-based): chr10:27,971,222, A>G on the plus strand (T>C on the coding strand, the complement: ODAD2 is on the minus strand). VCF-style: chr10-27971222-A-G. GRCh37 (hg19) VCF-style: chr10-28260151-A-G.
Other names: c.1028T>C, p.Ile343Thr (NM_001290020.2); c.104T>C, p.Ile35Thr (NM_001312689.2); c.-187-9507T>C (NM_001290021.2); c.1028T>C (NM_018076.3); short protein forms I343T, I35T.
Identifiers: ClinVar variation 402396 (VCV000402396.23), dbSNP rs4405206, ClinGen allele CA5453647.